The following is an entry in ClinVar:

ClinVar aggregate classification (germline): Conflicting classifications of pathogenicity. Review status: criteria provided, conflicting classifications (1 of 4 stars). 3 submissions from 3 submitters: Uncertain significance (1); Benign (1); Likely benign (1). Last evaluated 2026-01-24.

Conditions:
Intellectual disability, X-linked, with or without seizures, ARX-related. Also called: Mental retardation, X-linked 52; MENTAL RETARDATION, X-LINKED 29; MENTAL RETARDATION, X-LINKED 32; MENTAL RETARDATION, X-LINKED 33; MENTAL RETARDATION, X-LINKED 38; MENTAL RETARDATION, X-LINKED 43. Identifiers: Orphanet 777, MedGen C0796244, MONDO:0010317, OMIM 300419.
Developmental and epileptic encephalopathy, 1 (DEE1). Also called: Epileptic encephalopathy, early infantile, 1; X-linked infantile spasms; West's syndrome; Tonic spasms with clustering, arrest of psychomotor development and hypsarrhythmia on EEG; X-Linked Infantile Spasm Syndrome; OHTAHARA SYNDROME, X-LINKED. Identifiers: MedGen C3463992, MONDO:0010632, OMIM 308350. Disease mechanism: loss of function.

Allele frequency attached by ClinVar (database versions not stated): gnomAD 0.00015; TOPMed 0.00015; ESP Exome Variant Server 0.00028; 1000 Genomes Project 0.00053; 1000 Genomes Project 30x 0.00062; gnomAD exomes 0.00002 and 0.00004; ExAC 0.00007.
gnomAD v4.1: 37 of 1,194,456 alleles (0.0031%); highest among the groups gnomAD compares: African/African-American, 0.054%; no homozygotes.

Submissions (3):

Labcorp Genetics (formerly Invitae), Labcorp
Classification: Benign for Developmental and epileptic encephalopathy, 1; Intellectual disability, X-linked, with or without seizures, ARX-related. Last evaluated: 2026-01-24. Review status: criteria provided, single submitter. Criteria: Invitae Variant Classification Sherloc (09022015). Collection method: clinical testing. Allele origin: germline.

Eurofins Ntd Llc (ga)
Classification: Uncertain significance. Last evaluated: 2018-08-16. Review status: criteria provided, single submitter. Criteria: EGL ClinVar v180209 classification definitions. Collection method: clinical testing. Allele origin: germline. Observed: 1 variant allele, 1 heterozygote.

GeneDx
Classification: Likely benign. Last evaluated: 2016-03-10. Review status: criteria provided, single submitter. Criteria: GeneDx Variant Classification (06012015). Collection method: clinical testing. Allele origin: germline. Affected: yes.
Comment: This variant is considered likely benign or benign based on one or more of the following criteria: it is a conservative change, it occurs at a poorly conserved position in the protein, it is predicted to be benign by multiple in silico algorithms, and/or has population frequency not consistent with disease.

NM_139058.3(ARX):c.1119+6C>T

Gene: ARX (aristaless related homeobox; minus strand). Cytogenetic location: Xp21.3.
Variant type: single nucleotide variant.
Coding change: c.1119+6C>T on transcript NM_139058.3 (MANE Select); 6 bases into the intron after coding-DNA position 1119, C replaced by T.
Molecular consequence: intron variant.
Genome position (GRCh38, 1-based): chrX:25,010,254, G>A on the plus strand (C>T on the coding strand, the complement: ARX is on the minus strand). VCF-style: chrX-25010254-G-A. GRCh37 (hg19) VCF-style: chrX-25028371-G-A.
Identifiers: ClinVar variation 384736 (VCV000384736.15), dbSNP rs201300786, ClinGen allele CA10373836.